The following is an entry in ClinVar:

ClinVar aggregate classification (germline): Pathogenic (1 of 4 stars; one submission).

Conditions:
Wilms tumor 1 (WT1). Also called: Wilms tumor, somatic. Identifiers: Orphanet 654, MedGen CN033288, MONDO:0008679, OMIM 194070.

Submission:

Labcorp Genetics (formerly Invitae), Labcorp
Classification: Pathogenic for Wilms tumor 1. Last evaluated: 2021-08-12. Review status: criteria provided, single submitter. Criteria: Invitae Variant Classification Sherloc (09022015). Collection method: clinical testing. Allele origin: germline.
Comment: This variant is a gross deletion of the genomic region encompassing exon(s) 3-8 of the GPC3 gene, which includes the termination codon. This deletion extends beyond the assayed region for this gene and therefore may encompass additional genes. While this deletion is not anticipated to lead to nonsense mediated decay, it is expected to alter mRNA translation or result in a truncated protein product. A similar copy number variant has been observed in individual(s) with Simpson-Golabi-Behmel syndrome (PMID: 8958336). The region of the GPC3 gene that includes exon(s) 6-8 has been determined to be clinically significant (PMID: 8589713). Therefore, deletions that encompass that region are likely to be disease-causing. For these reasons, this variant has been classified as Pathogenic.

Literature cited by the submitters: PubMed 8958336; PubMed 8589713.

NC_000023.10:g.(?_132670152)_(132888213_?)del

Gene: GPC3 (glypican 3; minus strand). Cytogenetic location: Xq26.2.
Variant type: Deletion.
Identifiers: ClinVar variation 1458423 (VCV001458423.7).